The following is an entry in ClinVar:

NM_018897.3(DNAH7):c.7989T>C (p.Asp2663=)

Genes: DNAH7 (dynein axonemal heavy chain 7; minus strand), LOC126806457 (BRD4-independent group 4 enhancer GRCh37_chr2:196722945-196724144; plus strand). Cytogenetic location: 2q32.3.
Variant type: single nucleotide variant.
Coding change: c.7989T>C on transcript NM_018897.3 (MANE Select); coding-DNA position 7989, T replaced by C.
Protein change: p.Asp2663=; no amino-acid change (aspartic acid 2663 retained).
Molecular consequence: synonymous variant.
Genome position (GRCh38, 1-based): chr2:195,858,552, A>G on the plus strand (T>C on the coding strand, the complement: DNAH7 is on the minus strand). VCF-style: chr2-195858552-A-G. GRCh37 (hg19) VCF-style: chr2-196723276-A-G.
Identifiers: ClinVar variation 3037815 (VCV003037815.2), dbSNP rs762465916, ClinGen allele CA2034741.

ClinVar aggregate classification (germline): Likely benign (0 of 4 stars; one submission).

Conditions:
DNAH7-related disorder. Also called: DNAH7-related condition.

Allele frequency attached by ClinVar (database versions not stated): ExAC 0.00002; gnomAD 0.00002; gnomAD exomes 0.00004; TOPMed 0.00005.
gnomAD v4.1: 61 of 1,613,800 alleles (0.0038%); highest among the groups gnomAD compares: Admixed American, 0.005%; no homozygotes.

Submission:

PreventionGenetics, part of Exact Sciences
Classification: Likely benign for DNAH7-related condition. Last evaluated: 2019-05-03. Review status: no assertion criteria provided. Collection method: clinical testing. Allele origin: germline.
Comment: This variant is classified as likely benign based on ACMG/AMP sequence variant interpretation guidelines (Richards et al. 2015 PMID: 25741868, with internal and published modifications).